The following is an entry in ClinVar:

ClinVar aggregate classification (germline): Uncertain significance. Review status: criteria provided, multiple submitters, no conflicts (2 of 4 stars). 2 submissions from 2 submitters: Uncertain significance (2). Last evaluated 2026-01-27.

Conditions:
Dyskeratosis congenita. Identifiers: Orphanet 1775, MedGen C0265965, MONDO:0015780.

Allele frequency attached by ClinVar (database versions not stated): gnomAD exomes 0.00001; gnomAD 0.00013 and 0.00014; TOPMed 0.00014; ESP Exome Variant Server 0.00016.

Submissions (2):

Labcorp Genetics (formerly Invitae), Labcorp
Classification: Uncertain significance for Dyskeratosis congenita. Last evaluated: 2026-01-27. Review status: criteria provided, single submitter. Criteria: Invitae Variant Classification Sherloc (09022015). Collection method: clinical testing. Allele origin: germline.
Comment: This sequence change replaces alanine, which is neutral and non-polar, with threonine, which is neutral and polar, at codon 43 of the TINF2 protein (p.Ala43Thr). This variant is present in population databases (rs35653076, gnomAD 0.02%). This variant has not been reported in the literature in individuals affected with TINF2-related conditions. ClinVar contains an entry for this variant (Variation ID: 577018). An algorithm developed to predict the effect of missense changes on protein structure and function outputs the following: PolyPhen-2: "Possibly Damaging". The threonine amino acid residue is found in multiple mammalian species, which suggests that this missense change does not adversely affect protein function. In summary, the available evidence is currently insufficient to determine the role of this variant in disease. Therefore, it has been classified as a Variant of Uncertain Significance.

Sema4
Classification: Uncertain significance for Dyskeratosis congenita. Last evaluated: 2021-06-24. Review status: criteria provided, single submitter. Criteria: Sema4 Curation Guidelines. Collection method: curation. Allele origin: germline.
Comment: To the best of our knowledge, the TINF2 c.127G>A (p.A43T) variant has not been reported in individuals with TINF2-related disease. It was observed in 6/24200 chromosomes of the African/African American subpopulation in the large and broad cohorts of the Genome Aggregation Database. The variant has been reported in ClinVar (Variation ID 577018). In silico tools suggest the impact of the variant on protein function is benign, though these predictions have not been confirmed by functional studies. The evidence is insufficient to meet ACMG/AMP criteria for classifying the variant as benign or pathogenic. Thus, the clinical significance of this variant is currently uncertain.

NM_001099274.3(TINF2):c.127G>A (p.Ala43Thr)

Genes: TINF2 (TERF1 interacting nuclear factor 2; minus strand), LOC130055403 (ATAC-STARR-seq lymphoblastoid active region 8199; plus strand). Cytogenetic location: 14q12.
Variant type: single nucleotide variant.
Coding change: c.127G>A on transcript NM_001099274.3 (MANE Select); coding-DNA position 127, G replaced by A.
Protein change: p.Ala43Thr; replaces alanine 43 with threonine.
Molecular consequence: missense variant.
Genome position (GRCh38, 1-based): chr14:24,242,206, C>T on the plus strand (G>A on the coding strand, the complement: TINF2 is on the minus strand). VCF-style: chr14-24242206-C-T. GRCh37 (hg19) VCF-style: chr14-24711412-C-T.
Other names: c.127G>A, p.Ala43Thr (NM_001363668.2, NM_012461.3); short protein forms A43T.
Identifiers: ClinVar variation 577018 (VCV000577018.10), dbSNP rs35653076, ClinGen allele CA257883603.